The following is an entry in ClinVar:

NM_001042492.3(NF1):c.1078C>T (p.Pro360Ser)

Gene: NF1 (neurofibromin 1; plus strand). Cytogenetic location: 17q11.2.
Variant type: single nucleotide variant.
Coding change: c.1078C>T on transcript NM_001042492.3 (MANE Select); coding-DNA position 1078, C replaced by T.
Protein change: p.Pro360Ser; replaces proline 360 with serine.
Molecular consequence: missense variant.
Genome position (GRCh38, 1-based): chr17:31,201,052, C>T. VCF-style: chr17-31201052-C-T. GRCh37 (hg19) VCF-style: chr17-29528070-C-T.
Other names: c.1078C>T, p.Pro360Ser (NM_000267.4, NM_001128147.3); short protein forms P360S.
Identifiers: ClinVar variation 650890 (VCV000650890.9), dbSNP rs1597681902, ClinGen allele CA398996748.
Genomic context (GRCh38, chr17:31,201,052, plus strand): 5'-GCATGGGTATTTAAAGGCTTTTGTTTTCTGTTGGGGTTTTTATAGAACCTGCTTTTTAAT[C>T]CAAGTAAGCCATTCTCAAGAGGCAGTCAGCCTGCAGATGTGGATCTAATGATTGACTGCC-3'
Protein context (NP_001035957.1, residues 350-370): VVDLKNLLFN[Pro360Ser]SKPFSRGSQP

ClinVar aggregate classification (germline): Uncertain significance. Review status: criteria provided, multiple submitters, no conflicts (2 of 4 stars). 2 submissions from 2 submitters: Uncertain significance (2). Last evaluated 2025-04-21.

Conditions:
Cardiovascular phenotype. Identifiers: MedGen CN230736.
Hereditary cancer-predisposing syndrome. Also called: Hereditary Cancer Syndrome; Tumor predisposition; Neoplastic Syndromes, Hereditary; Hereditary neoplastic syndrome. Identifiers: Orphanet 140162, MedGen C0027672, MeSH D009386, MONDO:0015356.
Neurofibromatosis, type 1 (NF1). Also called: VON RECKLINGHAUSEN DISEASE; Neurofibromatosis, type I; NEUROFIBROMATOSIS, TYPE I, SOMATIC; Peripheral type neurofibromatosis. Identifiers: Orphanet 636, MedGen C0027831, MONDO:0018975, OMIM 162200. Disease mechanism: loss of function.

Submissions (2):

Labcorp Genetics (formerly Invitae), Labcorp
Classification: Uncertain significance for Neurofibromatosis, type 1. Last evaluated: 2025-04-21. Review status: criteria provided, single submitter. Criteria: Invitae Variant Classification Sherloc (09022015). Collection method: clinical testing. Allele origin: germline.
Comment: This sequence change replaces proline, which is neutral and non-polar, with serine, which is neutral and polar, at codon 360 of the NF1 protein (p.Pro360Ser). This variant is not present in population databases (gnomAD no frequency). This variant has not been reported in the literature in individuals affected with NF1-related conditions. ClinVar contains an entry for this variant (Variation ID: 650890). Invitae Evidence Modeling of protein sequence and biophysical properties (such as structural, functional, and spatial information, amino acid conservation, physicochemical variation, residue mobility, and thermodynamic stability) indicates that this missense variant is expected to disrupt NF1 protein function with a positive predictive value of 95%. In summary, the available evidence is currently insufficient to determine the role of this variant in disease. Therefore, it has been classified as a Variant of Uncertain Significance.

Ambry Genetics
Classification: Uncertain significance for Cardiovascular phenotype; Hereditary cancer-predisposing syndrome. Last evaluated: 2025-04-14. Review status: criteria provided, single submitter. Criteria: Ambry Variant Classification Scheme 2023. Collection method: clinical testing. Allele origin: germline.
Comment: The p.P360S variant (also known as c.1078C>T), located in coding exon 10 of the NF1 gene, results from a C to T substitution at nucleotide position 1078. The proline at codon 360 is replaced by serine, an amino acid with similar properties. This amino acid position is highly conserved in available vertebrate species. In addition, the in silico prediction for this alteration is inconclusive. Based on the available evidence, the clinical significance of this variant remains unclear.